The following is an entry in ClinVar:

ClinVar aggregate classification (germline): Likely pathogenic (1 of 4 stars; one submission).

Conditions:
Long QT syndrome (LQTS). Identifiers: MedGen C0023976, MeSH D008133, MONDO:0002442. Disease mechanism: loss of function. Inheritance: Various modes of inheritance.

Submission:

Labcorp Genetics (formerly Invitae), Labcorp
Classification: Likely pathogenic for Long QT syndrome. Last evaluated: 2023-03-07. Review status: criteria provided, single submitter. Criteria: Invitae Variant Classification Sherloc (09022015). Collection method: clinical testing. Allele origin: germline.
Comment: In summary, the currently available evidence indicates that the variant is pathogenic, but additional data are needed to prove that conclusively. Therefore, this variant has been classified as Likely Pathogenic. This variant disrupts the p.Thr322 amino acid residue in KCNQ1. Other variant(s) that disrupt this residue have been determined to be pathogenic (PMID: 22949429, 23092362, 28491751). This suggests that this residue is clinically significant, and that variants that disrupt this residue are likely to be disease-causing. Advanced modeling of protein sequence and biophysical properties (such as structural, functional, and spatial information, amino acid conservation, physicochemical variation, residue mobility, and thermodynamic stability) performed at Invitae indicates that this missense variant is expected to disrupt KCNQ1 protein function. ClinVar contains an entry for this variant (Variation ID: 960695). This missense change has been observed in individual(s) with clinical features of autosomal dominant long QT syndrome (Invitae). This variant is not present in population databases (gnomAD no frequency). This sequence change replaces threonine, which is neutral and polar, with proline, which is neutral and non-polar, at codon 322 of the KCNQ1 protein (p.Thr322Pro).

Literature cited by the submitters: PubMed 22949429; PubMed 23092362; PubMed 28491751.

NM_000218.3(KCNQ1):c.964A>C (p.Thr322Pro)

Gene: KCNQ1 (potassium voltage-gated channel subfamily Q member 1; plus strand). Cytogenetic location: 11p15.5.
Variant type: single nucleotide variant.
Coding change: c.964A>C on transcript NM_000218.3 (MANE Select); coding-DNA position 964, A replaced by C.
Protein change: p.Thr322Pro; replaces threonine 322 with proline.
Molecular consequence: missense variant.
Genome position (GRCh38, 1-based): chr11:2,583,477, A>C. VCF-style: chr11-2583477-A-C. GRCh37 (hg19) VCF-style: chr11-2604707-A-C.
Other names: c.964A>C, p.Thr322Pro (NM_001406836.1); c.694A>C, p.Thr232Pro (NM_001406837.1); c.520A>C, p.Thr174Pro (NM_001406838.1); c.583A>C, p.Thr195Pro (NM_181798.2); short protein forms T322P, T195P, T174P, T232P.
Identifiers: ClinVar variation 960695 (VCV000960695.11), dbSNP rs199472754, ClinGen allele CA379133010.